The following is an entry in ClinVar:

ClinVar aggregate classification (germline): Uncertain significance (1 of 4 stars; one submission).

Submission:

Labcorp Genetics (formerly Invitae), Labcorp
Classification: Uncertain significance. Last evaluated: 2023-03-22. Review status: criteria provided, single submitter. Criteria: Invitae Variant Classification Sherloc (09022015). Collection method: clinical testing. Allele origin: germline.
Comment: In summary, the available evidence is currently insufficient to determine the role of this variant in disease. Therefore, it has been classified as a Variant of Uncertain Significance. An algorithm developed to predict the effect of missense changes on protein structure and function (PolyPhen-2) suggests that this variant is likely to be tolerated. ClinVar contains an entry for this variant (Variation ID: 1714409). This variant has not been reported in the literature in individuals affected with STAT4-related conditions. This variant is not present in population databases (gnomAD no frequency). This sequence change replaces histidine, which is basic and polar, with arginine, which is basic and polar, at codon 603 of the STAT4 protein (p.His603Arg).

NM_003151.4(STAT4):c.1808A>G (p.His603Arg)

Gene: STAT4 (signal transducer and activator of transcription 4; minus strand). Cytogenetic location: 2q32.2.
Variant type: single nucleotide variant.
Coding change: c.1808A>G on transcript NM_003151.4 (MANE Select); coding-DNA position 1808, A replaced by G.
Protein change: p.His603Arg; replaces histidine 603 with arginine.
Molecular consequence: missense variant.
Genome position (GRCh38, 1-based): chr2:191,033,534, T>C on the plus strand (A>G on the coding strand, the complement: STAT4 is on the minus strand). VCF-style: chr2-191033534-T-C. GRCh37 (hg19) VCF-style: chr2-191898260-T-C.
Other names: c.1808A>G, p.His603Arg (NM_001243835.2); short protein forms H603R.
Identifiers: ClinVar variation 1714409 (VCV001714409.6), dbSNP rs2470646477, ClinGen allele CA349907980.